The following is an entry in ClinVar:

ClinVar aggregate classification (germline): Uncertain significance (1 of 4 stars; one submission).

Conditions:
Neuropathy, hereditary sensory, type 2C. Also called: KIF1A-Related HSAN2 (HSAN2C); Hereditary sensory and autonomic neuropathy type IIC. Identifiers: Orphanet 970, MedGen C3280168, MONDO:0013634, OMIM 614213.
Intellectual disability, autosomal dominant 9 (NESCAVS). Also called: NESCAV SYNDROME; KIF1A-Related Neurodevelopmental Disorder. Identifiers: Orphanet 662367, MedGen C5393830, MONDO:0013656, OMIM 614255.
Hereditary spastic paraplegia 30. Identifiers: Orphanet 101010, MedGen C5235139, MONDO:0012476.

Submission:

Labcorp Genetics (formerly Invitae), Labcorp
Classification: Uncertain significance for Hereditary spastic paraplegia 30; Neuropathy, hereditary sensory, type 2C; Intellectual disability, autosomal dominant 9. Last evaluated: 2018-07-02. Review status: criteria provided, single submitter. Criteria: Invitae Variant Classification Sherloc (09022015). Collection method: clinical testing. Allele origin: germline.
Comment: This sequence change replaces leucine with proline at codon 1441 of the KIF1A protein (p.Leu1441Pro). The leucine residue is moderately conserved and there is a moderate physicochemical difference between leucine and proline. This variant is not present in population databases (ExAC no frequency). This variant has not been reported in the literature in individuals with KIF1A-related disease. Algorithms developed to predict the effect of missense changes on protein structure and function output the following: SIFT: "Deleterious"; PolyPhen-2: "Benign"; Align-GVGD: "Class C0". The proline amino acid residue is found in multiple mammalian species, suggesting that this missense change does not adversely affect protein function. These predictions have not been confirmed by published functional studies and their clinical significance is uncertain. In summary, the available evidence is currently insufficient to determine the role of this variant in disease. Therefore, it has been classified as a Variant of Uncertain Significance.

NM_001244008.2(KIF1A):c.4625T>C (p.Leu1542Pro)

Gene: KIF1A (kinesin family member 1A; minus strand). Cytogenetic location: 2q37.3.
Variant type: single nucleotide variant.
Coding change: c.4625T>C on transcript NM_001244008.2 (MANE Select); coding-DNA position 4625, T replaced by C.
Protein change: p.Leu1542Pro; replaces leucine 1542 with proline.
Molecular consequence: missense variant.
Genome position (GRCh38, 1-based): chr2:240,722,496, A>G on the plus strand (T>C on the coding strand, the complement: KIF1A is on the minus strand). VCF-style: chr2-240722496-A-G. GRCh37 (hg19) VCF-style: chr2-241661913-A-G.
Other names: c.4349T>C, p.Leu1450Pro (NM_001320705.2, NM_001379649.1); c.4376T>C, p.Leu1459Pro (NM_001330289.2); c.4424T>C, p.Leu1475Pro (NM_001330290.2, NM_001379648.1); c.4700T>C, p.Leu1567Pro (NM_001379631.1); c.4601T>C, p.Leu1534Pro (NM_001379632.1); c.4598T>C, p.Leu1533Pro (NM_001379633.1, NM_001379645.1); c.4451T>C, p.Leu1484Pro (NM_001379634.1); c.4448T>C, p.Leu1483Pro (NM_001379635.1, NM_001379646.1); and 7 more; short protein forms L1542P, L1441P, L1475P, L1459P, L1450P, L1440P, L1449P, L1458P.
Identifiers: ClinVar variation 570202 (VCV000570202.10), dbSNP rs1559476658, ClinGen allele CA351303737.